The following is an entry in ClinVar:

ClinVar aggregate classification (germline): Pathogenic/Likely pathogenic. Review status: criteria provided, multiple submitters, no conflicts (2 of 4 stars). 2 submissions from 2 submitters: Pathogenic (1); Likely pathogenic (1). Last evaluated 2023-12-18.

Conditions:
Curry-Hall syndrome (WAD). Also called: WEYERS ACRODENTAL DYSOSTOSIS. Identifiers: Orphanet 952, MedGen C0457013, MONDO:0008673, OMIM 193530.
Ellis-van Creveld syndrome (EVC). Also called: EVC-Related Ellis-van Creveld Syndrome; EVC2-Related Ellis-van Creveld Syndrome; MESOECTODERMAL DYSPLASIA; Chondroectodermal dysplasia. Identifiers: Orphanet 289, MedGen C0013903, MONDO:0009162, OMIM 225500.

Allele frequency attached by ClinVar (database versions not stated): gnomAD exomes below 0.00001.

Submissions (2):

Labcorp Genetics (formerly Invitae), Labcorp
Classification: Pathogenic for Curry-Hall syndrome; Ellis-van Creveld syndrome. Last evaluated: 2023-12-18. Review status: criteria provided, single submitter. Criteria: Invitae Variant Classification Sherloc (09022015). Collection method: clinical testing. Allele origin: germline.
Comment: This sequence change creates a premature translational stop signal (p.Leu150Argfs*17) in the EVC2 gene. It is expected to result in an absent or disrupted protein product. Loss-of-function variants in EVC2 are known to be pathogenic (PMID: 17024374, 19810119, 19876929). This variant is present in population databases (no rsID available, gnomAD 0.0009%). This variant has not been reported in the literature in individuals affected with EVC2-related conditions. For these reasons, this variant has been classified as Pathogenic.

Institute of Human Genetics, University Hospital of Duesseldorf
Classification: Likely pathogenic for Curry-Hall syndrome. Review status: criteria provided, single submitter. Criteria: ACMG Guidelines, 2015. Collection method: not provided. Allele origin: germline. Inheritance: Autosomal dominant inheritance. Affected: yes.

Literature cited by the submitters: PubMed 17024374 (cited by Labcorp Genetics (formerly Invitae), Labcorp); PubMed 19810119 (cited by Labcorp Genetics (formerly Invitae), Labcorp); PubMed 19876929 (cited by Labcorp Genetics (formerly Invitae), Labcorp).

NM_147127.5(EVC2):c.449del (p.Leu150fs)

Gene: EVC2 (EvC ciliary complex subunit 2; minus strand). Cytogenetic location: 4p16.2.
Variant type: Deletion.
Coding change: c.449del on transcript NM_147127.5 (MANE Select); coding-DNA position 449, one base deleted (T; older notation c.449delT).
Protein change: p.Leu150fs; shifts the reading frame from leucine 150.
Molecular consequence: frameshift variant.
Genome position (GRCh38, 1-based): chr4:5,694,336, A deleted on the plus strand (T on the coding strand, the reverse complement: EVC2 is on the minus strand). VCF-style (leftmost placement, unchanged base first): chr4-5694335-CA-C. GRCh37 (hg19) VCF-style: chr4-5696062-CA-C.
Other names: c.209del, p.Leu70fs (NM_001166136.2); short protein forms L150fs, L70fs.
Identifiers: ClinVar variation 2931070 (VCV002931070.4), dbSNP rs1308566542, ClinGen allele CA549707443.